The following is an entry in ClinVar:

ClinVar aggregate classification (germline): Uncertain significance (1 of 4 stars; one submission).

Submission:

CeGaT Center for Human Genetics Tuebingen
Classification: Uncertain significance. Last evaluated: 2026-09-01. Review status: criteria provided, single submitter. Criteria: CeGaT Center For Human Genetics Tuebingen Variant Classification Criteria Version 2. Collection method: clinical testing. Allele origin: germline. Affected: yes. Observed: 1 variant allele.
Comment: RPGR: PM4

NM_001034853.2(RPGR):c.2569_2574del (p.Lys857_Gly858del)

Gene: RPGR (retinitis pigmentosa GTPase regulator; minus strand). Cytogenetic location: Xp11.4.
Variant type: Deletion.
Coding change: c.2569_2574del on transcript NM_001034853.2 (MANE Select); coding-DNA positions 2569 to 2574, 6 bases deleted (AAAGGG; older notation c.2569_2574delAAAGGG).
Protein change: p.Lys857_Gly858del.
Molecular consequence: intron variant (on NM_001367249.1).
Genome position (GRCh38, 1-based): chrX:38,286,425-38,286,430, CCCTTT deleted on the plus strand (AAAGGG on the coding strand, the reverse complement: RPGR is on the minus strand); deleting any 6 consecutive bases within chrX:38,286,425-38,286,435 gives the same sequence; the c. name uses the placement nearest the transcript's 3' end. VCF-style (leftmost placement, unchanged base first): chrX-38286424-CCCCTTT-C. GRCh37 (hg19) VCF-style: chrX-38145677-CCCCTTT-C.
Other names: c.1569+4529_1569+4534del (NM_001367249.1, NM_001367250.1); c.1902+664_1902+669del (NM_001367245.1); c.1386+4529_1386+4534del (NM_001367251.1); c.1719+664_1719+669del (NM_001367246.1); c.1572+4529_1572+4534del (NM_001367247.1); c.1905+664_1905+669del (NM_000328.3); c.1602+4529_1602+4534del (NM_001367248.1).
Identifiers: ClinVar variation 5041109 (VCV005041109.1).